The following is an entry in ClinVar:

NM_182961.4(SYNE1):c.19276A>G (p.Ile6426Val)

Gene: SYNE1 (spectrin repeat containing nuclear envelope protein 1; minus strand). Cytogenetic location: 6q25.2.
Variant type: single nucleotide variant.
Coding change: c.19276A>G on transcript NM_182961.4 (MANE Select); coding-DNA position 19276, A replaced by G.
Protein change: p.Ile6426Val; replaces isoleucine 6426 with valine.
Molecular consequence: missense variant.
Genome position (GRCh38, 1-based): chr6:152,255,074, T>C on the plus strand (A>G on the coding strand, the complement: SYNE1 is on the minus strand). VCF-style: chr6-152255074-T-C. GRCh37 (hg19) VCF-style: chr6-152576209-T-C.
Other names: c.19063A>G, p.Ile6355Val (NM_033071.5); short protein forms I6426V, I6355V.
Identifiers: ClinVar variation 4791219 (VCV004791219.1).

ClinVar aggregate classification (germline): Uncertain significance (1 of 4 stars; one submission).

Conditions:
Autosomal recessive ataxia, Beauce type. Also called: SYNE1-Related Autosomal Recessive Cerebellar Ataxia; Spinocerebellar ataxia, autosomal recessive 8; ATAXIA, RECESSIVE, OF BEAUCE; SYNE1 Deficiency. Identifiers: Orphanet 88644, MedGen C1853116, MONDO:0012549, OMIM 610743.
Emery-Dreifuss muscular dystrophy 4, autosomal dominant (EDMD4). Also called: EMERY-DREIFUSS MUSCULAR DYSTROPHY 4 WITH VARIABLE FEATURES. Identifiers: Orphanet 261, MedGen C2751807, MONDO:0013071, OMIM 612998.

Submission:

Labcorp Genetics (formerly Invitae), Labcorp
Classification: Uncertain significance for Emery-Dreifuss muscular dystrophy 4, autosomal dominant; Autosomal recessive ataxia, Beauce type. Last evaluated: 2025-06-18. Review status: criteria provided, single submitter. Criteria: Invitae Variant Classification Sherloc (09022015). Collection method: clinical testing. Allele origin: germline.
Comment: This sequence change replaces isoleucine, which is neutral and non-polar, with valine, which is neutral and non-polar, at codon 6355 of the SYNE1 protein (p.Ile6355Val). This variant is not present in population databases (gnomAD no frequency). This variant has not been reported in the literature in individuals affected with SYNE1-related conditions. An algorithm developed to predict the effect of missense changes on protein structure and function (PolyPhen-2) suggests that this variant is likely to be tolerated. In summary, the available evidence is currently insufficient to determine the role of this variant in disease. Therefore, it has been classified as a Variant of Uncertain Significance.